The following is an entry in ClinVar:

ClinVar aggregate classification (germline): Uncertain significance (1 of 4 stars; one submission).

Conditions:
Inborn genetic diseases. Identifiers: MedGen C0950123, MeSH D030342.

Submission:

Ambry Genetics
Classification: Uncertain significance for Inborn genetic diseases. Last evaluated: 2025-11-11. Review status: criteria provided, single submitter. Criteria: Ambry Variant Classification Scheme 2023. Collection method: clinical testing. Allele origin: germline.
Comment: The p.F313C variant (also known as c.938T>G), located in coding exon 1 of the SAMD9 gene, results from a T to G substitution at nucleotide position 938. The phenylalanine at codon 313 is replaced by cysteine, an amino acid with highly dissimilar properties. This amino acid position is conserved. In addition, this alteration is predicted to be tolerated by in silico analysis. Based on the available evidence, the clinical significance of this variant remains unclear.

NM_017654.4(SAMD9):c.938T>G (p.Phe313Cys)

Gene: SAMD9 (sterile alpha motif domain containing 9; minus strand). Cytogenetic location: 7q21.2.
Variant type: single nucleotide variant.
Coding change: c.938T>G on transcript NM_017654.4 (MANE Select); coding-DNA position 938, T replaced by G.
Protein change: p.Phe313Cys; replaces phenylalanine 313 with cysteine.
Molecular consequence: missense variant.
Genome position (GRCh38, 1-based): chr7:93,105,160, A>C on the plus strand (T>G on the coding strand, the complement: SAMD9 is on the minus strand). VCF-style: chr7-93105160-A-C. GRCh37 (hg19) VCF-style: chr7-92734473-A-C.
Other names: c.938T>G, p.Phe313Cys (NM_001193307.2); short protein forms F313C.
Identifiers: ClinVar variation 4629941 (VCV004629941.1).